The following is an entry in ClinVar:

ClinVar aggregate classification (germline): Uncertain significance (1 of 4 stars; one submission).

Conditions:
Hereditary cancer-predisposing syndrome. Also called: Hereditary Cancer Syndrome; Hereditary neoplastic syndrome; Neoplastic Syndromes, Hereditary; Tumor predisposition. Identifiers: Orphanet 140162, MedGen C0027672, MeSH D009386, MONDO:0015356.

Submission:

Ambry Genetics
Classification: Uncertain significance for Hereditary cancer-predisposing syndrome. Last evaluated: 2023-08-29. Review status: criteria provided, single submitter. Criteria: Ambry Variant Classification Scheme 2023. Collection method: clinical testing. Allele origin: germline.
Comment: The p.L2868R variant (also known as c.8603T>G), located in coding exon 58 of the ATM gene, results from a T to G substitution at nucleotide position 8603. The leucine at codon 2868 is replaced by arginine, an amino acid with dissimilar properties. This amino acid position is conserved. In addition, this alteration is predicted to be deleterious by in silico analysis. Since supporting evidence is limited at this time, the clinical significance of this alteration remains unclear.

NM_000051.4(ATM):c.8603T>G (p.Leu2868Arg)

Genes: ATM (ATM serine/threonine kinase; plus strand), C11orf65 (chromosome 11 open reading frame 65; minus strand). Cytogenetic location: 11q22.3.
Variant type: single nucleotide variant.
Coding change: c.8603T>G on transcript NM_000051.4 (MANE Select); coding-DNA position 8603, T replaced by G.
Protein change: p.Leu2868Arg; replaces leucine 2868 with arginine.
Molecular consequence: missense variant. On other transcripts: intron variant (2).
Genome position (GRCh38, 1-based): chr11:108,347,297, T>G. VCF-style: chr11-108347297-T-G. GRCh37 (hg19) VCF-style: chr11-108218024-T-G.
Other names: c.8603T>G, p.Leu2868Arg (NM_001351834.2); c.641-38226A>C (NM_001330368.2); c.695-12005A>C (NM_001351110.2); short protein forms L2868R.
Identifiers: ClinVar variation 2587814 (VCV002587814.2), dbSNP rs2137079647, ClinGen allele CA382520482.